The following is an entry in ClinVar:

ClinVar aggregate classification (germline): Uncertain significance. Review status: criteria provided, multiple submitters, no conflicts (2 of 4 stars). 2 submissions from 2 submitters: Uncertain significance (2). Last evaluated 2025-08-11.

Conditions:
Inborn genetic diseases. Identifiers: MedGen C0950123, MeSH D030342.
Myofibrillar myopathy 3 (MFM3). Also called: Muscular dystrophy, proximal, type 1A; Autosomal dominant spheroid body myopathy. Identifiers: Orphanet 266, Orphanet 268129, MedGen C3714934, MONDO:0012215, OMIM 609200.

Allele frequency attached by ClinVar (database versions not stated): gnomAD exomes 0.00001; TOPMed 0.00002; gnomAD 0.00003.
gnomAD v4.1: 16 of 1,613,840 alleles (0.00099%); highest among the groups gnomAD compares: Admixed American, 0.0033%; no homozygotes.

Submissions (2):

Ambry Genetics
Classification: Uncertain significance for Inborn genetic diseases. Last evaluated: 2025-08-11. Review status: criteria provided, single submitter. Criteria: Ambry Variant Classification Scheme 2023. Collection method: clinical testing. Allele origin: germline.

Labcorp Genetics (formerly Invitae), Labcorp
Classification: Uncertain significance for Myofibrillar myopathy 3. Last evaluated: 2025-04-11. Review status: criteria provided, single submitter. Criteria: Invitae Variant Classification Sherloc (09022015). Collection method: clinical testing. Allele origin: germline.
Comment: This sequence change replaces arginine, which is basic and polar, with histidine, which is basic and polar, at codon 443 of the MYOT protein (p.Arg443His). This variant is not present in population databases (gnomAD no frequency). This variant has not been reported in the literature in individuals affected with MYOT-related conditions. ClinVar contains an entry for this variant (Variation ID: 1912409). Invitae Evidence Modeling of protein sequence and biophysical properties (such as structural, functional, and spatial information, amino acid conservation, physicochemical variation, residue mobility, and thermodynamic stability) indicates that this missense variant is not expected to disrupt MYOT protein function with a negative predictive value of 80%. In summary, the available evidence is currently insufficient to determine the role of this variant in disease. Therefore, it has been classified as a Variant of Uncertain Significance.

NM_006790.3(MYOT):c.1328G>A (p.Arg443His)

Genes: PKD2L2-DT (PKD2L2 divergent transcript; minus strand), MYOT (myotilin; plus strand). Cytogenetic location: 5q31.2.
Variant type: single nucleotide variant.
Coding change: c.1328G>A on transcript NM_006790.3 (MANE Select); coding-DNA position 1328, G replaced by A.
Protein change: p.Arg443His; replaces arginine 443 with histidine.
Molecular consequence: missense variant.
Genome position (GRCh38, 1-based): chr5:137,887,216, G>A. VCF-style: chr5-137887216-G-A. GRCh37 (hg19) VCF-style: chr5-137222905-G-A.
Other names: c.776G>A, p.Arg259His (NM_001135940.2); c.983G>A, p.Arg328His (NM_001300911.2); short protein forms R443H, R259H, R328H.
Identifiers: ClinVar variation 1912409 (VCV001912409.6), dbSNP rs1390248313, ClinGen allele CA361056699.